The following is an entry in ClinVar:

ClinVar aggregate classification (germline): Benign/Likely benign. Review status: criteria provided, multiple submitters, no conflicts (2 of 4 stars). 6 submissions from 6 submitters: Benign (3); Likely benign (3). Last evaluated 2026-01-01.

Conditions:
Cornelia de Lange syndrome 1 (CDLS1). Also called: Brachmann de Lange syndrome; NIPBL-Related Cornelia de Lange Syndrome; TYPUS DEGENERATIVUS AMSTELODAMENSIS. Identifiers: Orphanet 199, MedGen C4551851, MONDO:0007387, OMIM 122470.

Allele frequency attached by ClinVar (database versions not stated): gnomAD exomes 0.00051; ExAC 0.00065; 1000 Genomes Project 0.00080; 1000 Genomes Project 30x 0.00094; gnomAD 0.00170 and 0.00186; TOPMed 0.00186; ESP Exome Variant Server 0.00193.
gnomAD v4.1: 494 of 1,545,634 alleles (0.032%); highest among the groups gnomAD compares: African/African-American, 0.6%; 2 homozygotes.

Submissions (6):

Labcorp Genetics (formerly Invitae), Labcorp
Classification: Benign for Cornelia de Lange syndrome 1. Last evaluated: 2026-01-01. Review status: criteria provided, single submitter. Criteria: Invitae Variant Classification Sherloc (09022015). Collection method: clinical testing. Allele origin: germline.

Blueprint Genetics
Classification: Likely benign. Last evaluated: 2024-10-07. Review status: criteria provided, single submitter. Criteria: ACMG Guidelines, 2015. Collection method: clinical testing. Allele origin: germline.

Genome-Nilou Lab
Classification: Benign for Cornelia de Lange syndrome 1. Last evaluated: 2021-07-15. Review status: criteria provided, single submitter. Criteria: ACMG Guidelines, 2015. Collection method: clinical testing. Allele origin: germline. Affected: no.

Illumina Laboratory Services, Illumina
Classification: Benign for Cornelia de Lange syndrome 1. Last evaluated: 2018-01-13. Review status: criteria provided, single submitter. Criteria: ICSL Variant Classification Criteria 13 December 2019. Collection method: clinical testing. Allele origin: germline.
Comment: This variant was observed in the ICSL laboratory as part of a predisposition screen in an ostensibly healthy population. It had not been previously curated by ICSL or reported in the Human Gene Mutation Database (HGMD: prior to June 1st, 2018), and was therefore a candidate for classification through an automated scoring system. Utilizing variant allele frequency, disease prevalence and penetrance estimates, and inheritance mode, an automated score was calculated to assess if this variant is too frequent to cause the disease. Based on the score and internal cut-off values, a variant classified as benign is not then subjected to further curation. The score for this variant resulted in a classification of benign for this disease.

GeneDx
Classification: Likely benign. Last evaluated: 2016-12-16. Review status: criteria provided, single submitter. Criteria: GeneDx Variant Classification (06012015). Collection method: clinical testing. Allele origin: germline. Affected: yes.
Comment: This variant is considered likely benign or benign based on one or more of the following criteria: it is a conservative change, it occurs at a poorly conserved position in the protein, it is predicted to be benign by multiple in silico algorithms, and/or has population frequency not consistent with disease.

Genetic Services Laboratory, University of Chicago
Classification: Likely benign. Last evaluated: 2013-02-08. Review status: criteria provided, single submitter. Criteria: ACMG Guidelines, 2007. Collection method: clinical testing. Allele origin: germline. Inheritance: Autosomal dominant inheritance.

NM_133433.4(NIPBL):c.4320+14A>G

Gene: NIPBL (NIPBL cohesin loading factor; plus strand). Cytogenetic location: 5p13.2.
Variant type: single nucleotide variant.
Coding change: c.4320+14A>G on transcript NM_133433.4 (MANE Select); 14 bases into the intron after coding-DNA position 4320, A replaced by G.
Molecular consequence: intron variant.
Genome position (GRCh38, 1-based): chr5:37,008,102, A>G. VCF-style: chr5-37008102-A-G. GRCh37 (hg19) VCF-style: chr5-37008204-A-G.
Other names: c.4320+14A>G (NM_015384.5).
Identifiers: ClinVar variation 159112 (VCV000159112.20), dbSNP rs377381536, ClinGen allele CA172696.